The following is an entry in ClinVar:

ClinVar aggregate classification (germline): Uncertain significance (1 of 4 stars; one submission).

Conditions:
Andersen Tawil syndrome (LQT7). Also called: Andersen Syndrome; Potassium-sensitive periodic paralysis, ventricular ectopy, and dysmorphic features; LONG QT SYNDROME 7; PERIODIC PARALYSIS, POTASSIUM-SENSITIVE CARDIODYSRHYTHMIC TYPE; ANDERSEN CARDIODYSRHYTHMIC PERIODIC PARALYSIS. Identifiers: Orphanet 37553, MedGen C1563715, MONDO:0008222, OMIM 170390.
Short QT syndrome type 3. Identifiers: Orphanet 51083, MedGen C1865018, MONDO:0012314, OMIM 609622.

Submission:

Labcorp Genetics (formerly Invitae), Labcorp
Classification: Uncertain significance for Short QT syndrome type 3; Andersen Tawil syndrome. Last evaluated: 2021-12-22. Review status: criteria provided, single submitter. Criteria: Invitae Variant Classification Sherloc (09022015). Collection method: clinical testing. Allele origin: germline.
Comment: This sequence change replaces isoleucine, which is neutral and non-polar, with valine, which is neutral and non-polar, at codon 11 of the KCNJ2 protein (p.Ile11Val). This variant is not present in population databases (gnomAD no frequency). This variant has not been reported in the literature in individuals affected with KCNJ2-related conditions. Algorithms developed to predict the effect of missense changes on protein structure and function (SIFT, PolyPhen-2, Align-GVGD) all suggest that this variant is likely to be tolerated. In summary, the available evidence is currently insufficient to determine the role of this variant in disease. Therefore, it has been classified as a Variant of Uncertain Significance.

NM_000891.3(KCNJ2):c.31A>G (p.Ile11Val)

Gene: KCNJ2 (potassium inwardly rectifying channel subfamily J member 2; plus strand). Cytogenetic location: 17q24.3.
Variant type: single nucleotide variant.
Coding change: c.31A>G on transcript NM_000891.3 (MANE Select); coding-DNA position 31, A replaced by G.
Protein change: p.Ile11Val; replaces isoleucine 11 with valine.
Molecular consequence: missense variant.
Genome position (GRCh38, 1-based): chr17:70,175,070, A>G. VCF-style: chr17-70175070-A-G. GRCh37 (hg19) VCF-style: chr17-68171211-A-G.
Other names: short protein forms I11V.
Identifiers: ClinVar variation 2052697 (VCV002052697.4), dbSNP rs879760912, ClinGen allele CA293702896.